The following is an entry in ClinVar:

ClinVar aggregate classification (germline): Uncertain significance (1 of 4 stars; one submission).

Submission:

GeneDx
Classification: Uncertain significance. Last evaluated: 2021-04-21. Review status: criteria provided, single submitter. Criteria: GeneDx Variant Classification Process June 2021. Collection method: clinical testing. Allele origin: germline. Affected: yes.
Comment: Has not been previously published as pathogenic or benign to our knowledge; Not observed in large population cohorts (Lek et al., 2016); In silico analysis, which includes splice predictors and evolutionary conservation, suggests this variant may impact gene splicing. In the absence of RNA/functional studies, the actual effect of this sequence change is unknown.

NM_017636.4(TRPM4):c.268-11T>A

Gene: TRPM4 (transient receptor potential cation channel subfamily M member 4; plus strand). Cytogenetic location: 19q13.33.
Variant type: single nucleotide variant.
Coding change: c.268-11T>A on transcript NM_017636.4 (MANE Select); 11 bases into the intron before coding-DNA position 268, T replaced by A.
Molecular consequence: intron variant.
Genome position (GRCh38, 1-based): chr19:49,167,906, T>A. VCF-style: chr19-49167906-T-A. GRCh37 (hg19) VCF-style: chr19-49671163-T-A.
Other names: c.268-11T>A (NM_001195227.2); c.-1105-354T>A (NM_001321282.2); c.268-647T>A (NM_001321281.2); c.-74-354T>A (NM_001321283.2); c.-237-647T>A (NM_001321285.2).
Identifiers: ClinVar variation 1321019 (VCV001321019.2), dbSNP rs2122801419, ClinGen allele CA2573054806.